The following is an entry in ClinVar:

ClinVar aggregate classification (germline): Uncertain significance (1 of 4 stars; one submission).

Conditions:
Dyskeratosis congenita, autosomal dominant 2. Identifiers: MedGen C3151443, MONDO:0013521, OMIM 613989.
Idiopathic Pulmonary Fibrosis. Also called: Idiopathic fibrosing alveolitis, chronic form; idiopathic fibrosing alveolitis. Identifiers: Orphanet 2032, MedGen C1800706, MeSH D054990, MONDO:0800504.

Submission:

Labcorp Genetics (formerly Invitae), Labcorp
Classification: Uncertain significance for Dyskeratosis congenita, autosomal dominant 2; Idiopathic Pulmonary Fibrosis. Last evaluated: 2021-12-15. Review status: criteria provided, single submitter. Criteria: Invitae Variant Classification Sherloc (09022015). Collection method: clinical testing. Allele origin: germline.
Comment: In summary, the available evidence is currently insufficient to determine the role of this variant in disease. Therefore, it has been classified as a Variant of Uncertain Significance. Advanced modeling of protein sequence and biophysical properties (such as structural, functional, and spatial information, amino acid conservation, physicochemical variation, residue mobility, and thermodynamic stability) performed at Invitae indicates that this missense variant is not expected to disrupt TERT protein function. This variant has not been reported in the literature in individuals affected with TERT-related conditions. This variant is not present in population databases (gnomAD no frequency). This sequence change replaces proline, which is neutral and non-polar, with serine, which is neutral and polar, at codon 213 of the TERT protein (p.Pro213Ser).

NM_198253.3(TERT):c.637C>T (p.Pro213Ser)

Gene: TERT (telomerase reverse transcriptase; minus strand). Cytogenetic location: 5p15.33.
Variant type: single nucleotide variant.
Coding change: c.637C>T on transcript NM_198253.3 (MANE Select); coding-DNA position 637, C replaced by T.
Protein change: p.Pro213Ser; replaces proline 213 with serine.
Molecular consequence: missense variant. On other transcripts: non-coding transcript variant (2).
Genome position (GRCh38, 1-based): chr5:1,294,249, G>A on the plus strand (C>T on the coding strand, the complement: TERT is on the minus strand). VCF-style: chr5-1294249-G-A. GRCh37 (hg19) VCF-style: chr5-1294364-G-A.
Other names: c.637C>T, p.Pro213Ser (NM_001193376.3); short protein forms P213S.
Identifiers: ClinVar variation 1477994 (VCV001477994.6), dbSNP rs2126688704, ClinGen allele CA359057126.
Genomic context (GRCh38, chr5:1,294,249, plus strand): 5'-GCAGACTTCGGCTGGCACTGCCCCCGCGCCTCCTCGCACCCGGGGCTGGCAGGCCCAGGG[G>A]GACCCCGGCCTCCCTGACGCTATGGTTCCAGGCCCGTTCGCATCCCAGACGCCTTCGGGG-3'
Protein context (NP_937983.2, residues 203-223): WNHSVREAGV[Pro213Ser]LGLPAPGARR